The following is an entry in ClinVar:

ClinVar aggregate classification (germline): Conflicting classifications of pathogenicity. Review status: criteria provided, conflicting classifications (1 of 4 stars). 8 submissions from 8 submitters: Uncertain significance (7); Benign (1). Last evaluated 2025-01-18.

Conditions:
RSPH4A-related disorder. Also called: RSPH4A-related condition.
Primary ciliary dyskinesia. Also called: Ciliary dyskinesia. Identifiers: Orphanet 244, MedGen C0008780, MONDO:0016575, HP:0012265.
Primary ciliary dyskinesia 11. Also called: CILIARY DYSKINESIA, PRIMARY, 11, WITHOUT SITUS INVERSUS. Identifiers: Orphanet 244, MedGen C2675229, MONDO:0012978, OMIM 612649.

Allele frequency attached by ClinVar (database versions not stated): 1000 Genomes Project 30x 0.00031; gnomAD 0.00039 and 0.00040; 1000 Genomes Project 0.00040; TOPMed 0.00052; gnomAD exomes 0.00059; ESP Exome Variant Server 0.00077.
gnomAD v4.1: 907 of 1,614,150 alleles (0.056%); highest among the groups gnomAD compares: Non-Finnish European, 0.073%; no homozygotes.

Submissions (8):

Ambry Genetics
Classification: Benign for Primary ciliary dyskinesia. Last evaluated: 2025-01-18. Review status: criteria provided, single submitter. Criteria: Ambry Variant Classification Scheme 2023. Collection method: clinical testing. Allele origin: germline.

Blueprint Genetics
Classification: Uncertain significance. Last evaluated: 2024-10-23. Review status: criteria provided, single submitter. Criteria: ACMG Guidelines, 2015. Collection method: clinical testing. Allele origin: germline.

PreventionGenetics, part of Exact Sciences
Classification: Uncertain significance for RSPH4A-related condition. Last evaluated: 2024-10-11. Review status: criteria provided, single submitter. Criteria: ACMG Guidelines, 2015. Collection method: clinical testing. Allele origin: germline.
Comment: The RSPH4A c.584C>G variant is predicted to result in the amino acid substitution p.Pro195Arg. To our knowledge, this variant has not been reported in the literature. This variant is reported in 0.092% of alleles in individuals of European (Non-Finnish) descent in gnomAD. At this time, the clinical significance of this variant is uncertain due to the absence of conclusive functional and genetic evidence.

GeneDx
Classification: Uncertain significance. Last evaluated: 2024-09-09. Review status: criteria provided, single submitter. Criteria: GeneDx Variant Classification Process June 2021. Collection method: clinical testing. Allele origin: germline.
Comment: In silico analysis supports that this missense variant has a deleterious effect on protein structure/function; Has not been previously published as pathogenic or benign to our knowledge

Labcorp Genetics (formerly Invitae), Labcorp
Classification: Uncertain significance for Primary ciliary dyskinesia. Last evaluated: 2022-07-19. Review status: criteria provided, single submitter. Criteria: Invitae Variant Classification Sherloc (09022015). Collection method: clinical testing. Allele origin: germline.
Comment: This sequence change replaces proline, which is neutral and non-polar, with arginine, which is basic and polar, at codon 195 of the RSPH4A protein (p.Pro195Arg). This variant is present in population databases (rs141226759, gnomAD 0.1%), and has an allele count higher than expected for a pathogenic variant. This variant has not been reported in the literature in individuals affected with RSPH4A-related conditions. ClinVar contains an entry for this variant (Variation ID: 165058). Algorithms developed to predict the effect of missense changes on protein structure and function are either unavailable or do not agree on the potential impact of this missense change (SIFT: "Tolerated"; PolyPhen-2: "Possibly Damaging"; Align-GVGD: "Class C0"). In summary, the available evidence is currently insufficient to determine the role of this variant in disease. Therefore, it has been classified as a Variant of Uncertain Significance.

UNC Molecular Genetics  Laboratory, University of North Carolina at Chapel Hill
Classification: Uncertain significance for Primary ciliary dyskinesia. Last evaluated: 2019-01-15. Review status: criteria provided, single submitter. Criteria: ACMG Guidelines, 2015. Collection method: clinical testing. Allele origin: germline. Affected: yes. Observed: 1 compound heterozygote.

Illumina Laboratory Services, Illumina
Classification: Uncertain significance for Primary ciliary dyskinesia 11. Last evaluated: 2018-01-13. Review status: criteria provided, single submitter. Criteria: ICSL Variant Classification Criteria 13 December 2019. Collection method: clinical testing. Allele origin: germline.

Laboratory for Molecular Medicine, Mass General Brigham Personalized Medicine
Classification: Uncertain significance. Last evaluated: 2014-05-01. Review status: criteria provided, single submitter. Criteria: LMM Criteria. Collection method: clinical testing. Allele origin: germline. Observed: 1 variant allele.
Comment: Variant classified as Uncertain Significance - Favor Benign. The Pro195Arg varia nt in RSPH4A has not been previously reported in individuals with pulmonary dise ase, but has been identified in 0.093% (8/8600) of European American chromosomes and 0.045% (2/4406) of African American chromosomes by the NHLBI Exome Sequenci ng Project (dbSNP rs141226759). Computational prediction tools and conservation analysis suggest that the Pro195Arg variant m ay not impact the protein, though this information is not predictive enough to r ule out pathogenicity. In summary, while the clinical significance of the Pro195 Arg variant is uncertain, these data suggest that it is more likely to be benign .

NM_001010892.3(RSPH4A):c.584C>G (p.Pro195Arg)

Gene: RSPH4A (radial spoke head component 4A; plus strand). Cytogenetic location: 6q22.1.
Variant type: single nucleotide variant.
Coding change: c.584C>G on transcript NM_001010892.3 (MANE Select); coding-DNA position 584, C replaced by G.
Protein change: p.Pro195Arg; replaces proline 195 with arginine.
Molecular consequence: missense variant.
Genome position (GRCh38, 1-based): chr6:116,617,207, C>G. VCF-style: chr6-116617207-C-G. GRCh37 (hg19) VCF-style: chr6-116938370-C-G.
Other names: c.584C>G, p.Pro195Arg (NM_001161664.2); short protein forms P195R.
Identifiers: ClinVar variation 165058 (VCV000165058.23), dbSNP rs141226759, ClinGen allele CA177722.